The following is an entry in ClinVar:

ClinVar aggregate classification (germline): Benign. Review status: criteria provided, multiple submitters, no conflicts (2 of 4 stars). 2 submissions from 2 submitters: Benign (2). Last evaluated 2018-06-14.

Allele frequency attached by ClinVar (database versions not stated): gnomAD 0.01863 and 0.01960; TOPMed 0.02095; 1000 Genomes Project 0.02276; 1000 Genomes Project 30x 0.02405.
gnomAD v4.1: 6,283 of 1,162,810 alleles (0.54%); highest among the groups gnomAD compares: African/African-American, 5.8%; 139 homozygotes.

Submissions (9):

GeneDx
Classification: Benign. Last evaluated: 2018-06-14. Review status: criteria provided, single submitter. Criteria: GeneDx Variant Classification (06012015). Collection method: clinical testing. Allele origin: germline. Affected: yes.
Comment: This variant is considered likely benign or benign based on one or more of the following criteria: it is a conservative change, it occurs at a poorly conserved position in the protein, it is predicted to be benign by multiple in silico algorithms, and/or has population frequency not consistent with disease.

Breakthrough Genomics
Classification: Benign. Review status: criteria provided, single submitter. Criteria: ACMG Guidelines, 2015. Collection method: not provided. Allele origin: germline. Inheritance: Autosomal dominant inheritance. Affected: yes.

Dr. Peter K. Rogan Lab, Western University
No classification provided (evidence only). Condition: Lung cancer. Review status: no classification provided. Collection method: in vitro. Allele origin: not applicable. Functional consequence: retained intron. Not counted in ClinVar's aggregate classification.

Dr. Peter K. Rogan Lab, Western University
No classification provided (evidence only). Condition: Uterine corpus endometrial carcinoma. Review status: no classification provided. Collection method: in vitro. Allele origin: not applicable. Functional consequence: retained intron. Not counted in ClinVar's aggregate classification.

Dr. Peter K. Rogan Lab, Western University
No classification provided (evidence only). Condition: Uterine corpus endometrial carcinoma. Review status: no classification provided. Collection method: in vitro. Allele origin: not applicable. Functional consequence: retained intron. Not counted in ClinVar's aggregate classification.

Dr. Peter K. Rogan Lab, Western University
No classification provided (evidence only). Condition: Uterine corpus endometrial carcinoma. Review status: no classification provided. Collection method: in vitro. Allele origin: not applicable. Functional consequence: retained intron. Not counted in ClinVar's aggregate classification.

Dr. Peter K. Rogan Lab, Western University
No classification provided (evidence only). Condition: Cervical cancer. Review status: no classification provided. Collection method: in vitro. Allele origin: not applicable. Functional consequence: retained intron. Not counted in ClinVar's aggregate classification.

Dr. Peter K. Rogan Lab, Western University
No classification provided (evidence only). Condition: Cervical cancer. Review status: no classification provided. Collection method: in vitro. Allele origin: not applicable. Functional consequence: retained intron. Not counted in ClinVar's aggregate classification.

Dr. Peter K. Rogan Lab, Western University
No classification provided (evidence only). Condition: Ovarian serous cystadenocarcinoma. Review status: no classification provided. Collection method: in vitro. Allele origin: not applicable. Functional consequence: retained intron. Not counted in ClinVar's aggregate classification.

NM_017636.4(TRPM4):c.2132+91G>A

Gene: TRPM4 (transient receptor potential cation channel subfamily M member 4; plus strand). Cytogenetic location: 19q13.33.
Variant type: single nucleotide variant.
Coding change: c.2132+91G>A on transcript NM_017636.4 (MANE Select); 91 bases into the intron after coding-DNA position 2132, G replaced by A.
Molecular consequence: intron variant.
Genome position (GRCh38, 1-based): chr19:49,190,411, G>A. VCF-style: chr19-49190411-G-A. GRCh37 (hg19) VCF-style: chr19-49693668-G-A.
Other names: NC_000019.9:g.49693668G>A; c.2132+91G>A (NM_001195227.2); c.524+91G>A (NM_001321282.2); c.1787+91G>A (NM_001321281.2); c.1610+91G>A (NM_001321283.2); c.1070+91G>A (NM_001321285.2).
Identifiers: ClinVar variation 679639 (VCV000679639.3), dbSNP rs79488090, ClinGen allele CA309450032.
Genomic context (GRCh38, chr19:49,190,411, plus strand): 5'-TGGGGGCGGGGTGCTCAGTTTCTCCTTCCTGCCCCCTCTGCCCACCTTTCTTCCCTCATC[G>A]GCCCATTGTGTCCCTTCCCTAGGAATGGGACTCTCTGTCCCTCCACTAAGGGAGTGCTGT-3'